The following is an entry in ClinVar:

NM_020975.6(RET):c.3234G>A (p.Thr1078=)

Gene: RET (ret proto-oncogene; plus strand). Cytogenetic location: 10q11.21.
Variant type: single nucleotide variant.
Coding change: c.3234G>A on transcript NM_020975.6 (MANE Select); coding-DNA position 3234, G replaced by A.
Protein change: p.Thr1078=; no amino-acid change (threonine 1078 retained).
Molecular consequence: synonymous variant.
Genome position (GRCh38, 1-based): chr10:43,128,158, G>A. VCF-style: chr10-43128158-G-A. GRCh37 (hg19) VCF-style: chr10-43623606-G-A.
Identifiers: ClinVar variation 1141918 (VCV001141918.13), dbSNP rs766376008, ClinGen allele CA054853.

ClinVar aggregate classification (germline): Likely benign. Review status: criteria provided, multiple submitters, no conflicts (2 of 4 stars). 4 submissions from 4 submitters: Likely benign (4). Last evaluated 2025-09-19.

Conditions:
Multiple endocrine neoplasia, type 2 (MEN2). Identifiers: Orphanet 653, MedGen C4048306, MONDO:0019003. Disease mechanism: gain of function.
Hereditary cancer-predisposing syndrome. Also called: Hereditary neoplastic syndrome; Hereditary Cancer Syndrome; Tumor predisposition; Neoplastic Syndromes, Hereditary. Identifiers: Orphanet 140162, MedGen C0027672, MeSH D009386, MONDO:0015356.

Allele frequency attached by ClinVar (database versions not stated): TOPMed below 0.00001; ExAC 0.00001.
gnomAD v4.1: 16 of 1,614,172 alleles (0.00099%); highest among the groups gnomAD compares: Non-Finnish European, 0.0013%; no homozygotes.

Submissions (4):

Labcorp Genetics (formerly Invitae), Labcorp
Classification: Likely benign for Multiple endocrine neoplasia, type 2. Last evaluated: 2025-09-19. Review status: criteria provided, single submitter. Criteria: Invitae Variant Classification Sherloc (09022015). Collection method: clinical testing. Allele origin: germline.

Blueprint Genetics
Classification: Likely benign. Last evaluated: 2024-01-16. Review status: criteria provided, single submitter. Criteria: ACMG Guidelines, 2015. Collection method: clinical testing. Allele origin: germline.

All of Us Research Program, National Institutes of Health
Classification: Likely benign for Multiple endocrine neoplasia, type 2. Last evaluated: 2023-06-26. Review status: criteria provided, single submitter. Criteria: ACMG Guidelines, 2015. Collection method: clinical testing. Allele origin: germline. Inheritance: Autosomal dominant inheritance. Observed: 1 variant allele, 1 heterozygote.
Comment: This study involves interpretation of variants in research participants for the purpose of population health screening. Participant phenotype was not available at the time of variant classification. Additional details can be found in publication PMID: 35346344, PMCID: PMC8962531

Ambry Genetics
Classification: Likely benign for Hereditary cancer-predisposing syndrome. Last evaluated: 2021-12-28. Review status: criteria provided, single submitter. Criteria: Ambry Variant Classification Scheme 2023. Collection method: clinical testing. Allele origin: germline.